The following is an entry in ClinVar:

NM_033026.6(PCLO):c.12785C>T (p.Thr4262Ile)

Gene: PCLO (piccolo presynaptic cytomatrix protein; minus strand). Cytogenetic location: 7q21.11.
Variant type: single nucleotide variant.
Coding change: c.12785C>T on transcript NM_033026.6 (MANE Select); coding-DNA position 12785, C replaced by T.
Protein change: p.Thr4262Ile; replaces threonine 4262 with isoleucine.
Molecular consequence: missense variant.
Genome position (GRCh38, 1-based): chr7:82,915,201, G>A on the plus strand (C>T on the coding strand, the complement: PCLO is on the minus strand). VCF-style: chr7-82915201-G-A. GRCh37 (hg19) VCF-style: chr7-82544517-G-A.
Other names: c.12785C>T, p.Thr4262Ile (NM_014510.3); short protein forms T4262I.
Identifiers: ClinVar variation 1395501 (VCV001395501.6), dbSNP rs766938855, ClinGen allele CA4319311.

ClinVar aggregate classification (germline): Uncertain significance (1 of 4 stars; one submission).

Allele frequency attached by ClinVar (database versions not stated): gnomAD exomes below 0.00001; ExAC 0.00001.
gnomAD v4.1: 1 of 1,611,224 alleles (0.000062%); highest among the groups gnomAD compares: South Asian, 0.0011%; no homozygotes.

Submission:

Labcorp Genetics (formerly Invitae), Labcorp
Classification: Uncertain significance. Last evaluated: 2021-11-27. Review status: criteria provided, single submitter. Criteria: Invitae Variant Classification Sherloc (09022015). Collection method: clinical testing. Allele origin: germline.
Comment: In summary, the available evidence is currently insufficient to determine the role of this variant in disease. Therefore, it has been classified as a Variant of Uncertain Significance. Algorithms developed to predict the effect of missense changes on protein structure and function are either unavailable or do not agree on the potential impact of this missense change (SIFT: "Tolerated"; PolyPhen-2: "Not Available"; Align-GVGD: "Class C0"). This variant has not been reported in the literature in individuals affected with PCLO-related conditions. The frequency data for this variant in the population databases is considered unreliable, as metrics indicate poor data quality at this position in the gnomAD database. This sequence change replaces threonine, which is neutral and polar, with isoleucine, which is neutral and non-polar, at codon 4262 of the PCLO protein (p.Thr4262Ile).